The following is an entry in ClinVar:

NM_001012339.3(DNAJC21):c.1592G>A (p.Arg531Lys)

Gene: DNAJC21 (DnaJ heat shock protein family (Hsp40) member C21; plus strand). Cytogenetic location: 5p13.2.
Variant type: single nucleotide variant.
Coding change: c.1592G>A on transcript NM_001012339.3 (MANE Select); coding-DNA position 1592, G replaced by A.
Protein change: p.Arg531Lys; replaces arginine 531 with lysine.
Molecular consequence: missense variant.
Genome position (GRCh38, 1-based): chr5:34,954,710, G>A. VCF-style: chr5-34954710-G-A. GRCh37 (hg19) VCF-style: chr5-34954815-G-A.
Other names: c.1631G>A, p.Arg544Lys (NM_001348420.2); c.1727G>A, p.Arg576Lys (NM_194283.4); short protein forms R531K, R544K, R576K.
Identifiers: ClinVar variation 2169913 (VCV002169913.4), dbSNP rs1765485597, ClinGen allele CA359424923.
Genomic context (GRCh38, chr5:34,954,710, plus strand): 5'-CATCATCGTCTTTAAACAGCGCAACAAGTAGTCAAAGCAAGAAAGAGAAACGTAAAAACA[G>A]ATAGAGATTCTGCCTGTGCTTTTGTTTGACTGTCTCTAGATTTTGAAACCAAAAAACTGA-3'
Protein context (NP_001012339.2, residues 521-531): SQSKKEKRKN[Arg531Lys]

ClinVar aggregate classification (germline): Uncertain significance (1 of 4 stars; one submission).

Allele frequency attached by ClinVar (database versions not stated): gnomAD exomes below 0.00001; TOPMed below 0.00001.
gnomAD v4.1: 5 of 1,593,494 alleles (0.00031%); highest among the groups gnomAD compares: East Asian, 0.0023%; no homozygotes.

Submission:

Labcorp Genetics (formerly Invitae), Labcorp
Classification: Uncertain significance. Last evaluated: 2025-01-22. Review status: criteria provided, single submitter. Criteria: Invitae Variant Classification Sherloc (09022015). Collection method: clinical testing. Allele origin: germline.
Comment: This sequence change replaces arginine, which is basic and polar, with lysine, which is basic and polar, at codon 531 of the DNAJC21 protein (p.Arg531Lys). This variant is not present in population databases (gnomAD no frequency). This variant has not been reported in the literature in individuals affected with DNAJC21-related conditions. ClinVar contains an entry for this variant (Variation ID: 2169913). An algorithm developed to predict the effect of missense changes on protein structure and function (PolyPhen-2) suggests that this variant is likely to be tolerated. In summary, the available evidence is currently insufficient to determine the role of this variant in disease. Therefore, it has been classified as a Variant of Uncertain Significance.